The following is an entry in ClinVar:

NM_080627.4(MTCL2):c.2103C>T (p.Ser701=)

Gene: MTCL2 (microtubule crosslinking factor 2; minus strand). Cytogenetic location: 20q11.23.
Variant type: single nucleotide variant.
Coding change: c.2103C>T on transcript NM_080627.4 (MANE Select); coding-DNA position 2103, C replaced by T.
Protein change: p.Ser701=; no amino-acid change (serine 701 retained).
Molecular consequence: synonymous variant.
Genome position (GRCh38, 1-based): chr20:36,815,339, G>A on the plus strand (C>T on the coding strand, the complement: MTCL2 is on the minus strand). VCF-style: chr20-36815339-G-A. GRCh37 (hg19) VCF-style: chr20-35443742-G-A.
Other names: c.1389C>T, p.Ser463= (NM_199181.3).
Identifiers: ClinVar variation 2652301 (VCV002652301.23), dbSNP rs2148315632, ClinGen allele CA510490752.

ClinVar aggregate classification (germline): Likely benign (1 of 4 stars; one submission).

Allele frequency attached by ClinVar (database versions not stated): gnomAD exomes below 0.00001; gnomAD 0.00001.
gnomAD v4.1: 4 of 1,613,768 alleles (0.00025%); highest among the groups gnomAD compares: East Asian, 0.0045%; no homozygotes.

Submission:

CeGaT Center for Human Genetics Tuebingen
Classification: Likely benign. Last evaluated: 2022-09-01. Review status: criteria provided, single submitter. Criteria: CeGaT Center For Human Genetics Tuebingen Variant Classification Criteria Version 2. Collection method: clinical testing. Allele origin: germline. Affected: yes. Observed: 1 variant allele.
Comment: MTCL2: BP4, BP7